The following is an entry in ClinVar:

NM_001291088.2(WDR87):c.53A>G (p.Asn18Ser)

Gene: WDR87 (WD repeat domain 87; minus strand). Cytogenetic location: 19q13.13.
Variant type: single nucleotide variant.
Coding change: c.53A>G on transcript NM_001291088.2 (MANE Select); coding-DNA position 53, A replaced by G.
Protein change: p.Asn18Ser; replaces asparagine 18 with serine.
Molecular consequence: missense variant.
Genome position (GRCh38, 1-based): chr19:37,898,187, T>C on the plus strand (A>G on the coding strand, the complement: WDR87 is on the minus strand). VCF-style: chr19-37898187-T-C. GRCh37 (hg19) VCF-style: chr19-38388827-T-C.
Other names: c.53A>G, p.Asn18Ser (NM_031951.5); short protein forms N18S.
Identifiers: ClinVar variation 2371604 (VCV002371604.6), dbSNP rs527821242, ClinGen allele CA9408979.

ClinVar aggregate classification (germline): Uncertain significance. Review status: criteria provided, multiple submitters, no conflicts (2 of 4 stars). 2 submissions from 2 submitters: Uncertain significance (2). Last evaluated 2024-07-26.

Allele frequency attached by ClinVar (database versions not stated): ExAC 0.00018; 1000 Genomes Project 0.00020; gnomAD 0.00029; gnomAD exomes 0.00032; 1000 Genomes Project 30x 0.00047; TOPMed 0.00053.

Submissions (2):

Ambry Genetics
Classification: Uncertain significance. Last evaluated: 2024-07-26. Review status: criteria provided, single submitter. Criteria: Ambry Variant Classification Scheme 2023. Collection method: clinical testing. Allele origin: germline.

Labcorp Genetics (formerly Invitae), Labcorp
Classification: Uncertain significance. Last evaluated: 2023-02-13. Review status: criteria provided, single submitter. Criteria: Invitae Variant Classification Sherloc (09022015). Collection method: clinical testing. Allele origin: germline.
Comment: In summary, the available evidence is currently insufficient to determine the role of this variant in disease. Therefore, it has been classified as a Variant of Uncertain Significance. Algorithms developed to predict the effect of missense changes on protein structure and function output the following: SIFT: "Deleterious"; PolyPhen-2: "Benign"; Align-GVGD: "Class C0". The serine amino acid residue is found in multiple mammalian species, which suggests that this missense change does not adversely affect protein function. This variant has not been reported in the literature in individuals affected with WDR87-related conditions. This variant is present in population databases (rs527821242, gnomAD 0.03%). This sequence change replaces asparagine, which is neutral and polar, with serine, which is neutral and polar, at codon 18 of the WDR87 protein (p.Asn18Ser).